The following is an entry in ClinVar:

ClinVar aggregate classification (germline): Uncertain significance. Review status: criteria provided, multiple submitters, no conflicts (2 of 4 stars). 2 submissions from 2 submitters: Uncertain significance (2). Last evaluated 2025-12-02.

Conditions:
Hyperammonemia, type III (NAGSD). Also called: Hyperammonemia due to N-acetylglutamate synthase deficiency. Identifiers: Orphanet 927, MedGen C0268543, MONDO:0009377, OMIM 237310.
Inborn genetic diseases. Identifiers: MedGen C0950123, MeSH D030342.

Allele frequency attached by ClinVar (database versions not stated): gnomAD 0.00002; gnomAD exomes 0.00002; TOPMed 0.00003; ExAC 0.00005.
gnomAD v4.1: 40 of 1,587,818 alleles (0.0025%); highest among the groups gnomAD compares: Non-Finnish European, 0.0029%; no homozygotes.

Submissions (2):

Ambry Genetics
Classification: Uncertain significance for Inborn genetic diseases. Last evaluated: 2025-12-02. Review status: criteria provided, single submitter. Criteria: Ambry Variant Classification Scheme 2023. Collection method: clinical testing. Allele origin: germline.

Labcorp Genetics (formerly Invitae), Labcorp
Classification: Uncertain significance for Hyperammonemia, type III. Last evaluated: 2023-12-15. Review status: criteria provided, single submitter. Criteria: Invitae Variant Classification Sherloc (09022015). Collection method: clinical testing. Allele origin: germline.
Comment: This sequence change replaces alanine, which is neutral and non-polar, with glutamic acid, which is acidic and polar, at codon 194 of the NAGS protein (p.Ala194Glu). The frequency data for this variant in the population databases is considered unreliable, as metrics indicate poor data quality at this position in the gnomAD database. This variant has not been reported in the literature in individuals affected with NAGS-related conditions. Advanced modeling of protein sequence and biophysical properties (such as structural, functional, and spatial information, amino acid conservation, physicochemical variation, residue mobility, and thermodynamic stability) performed at Invitae indicates that this missense variant is not expected to disrupt NAGS protein function with a negative predictive value of 80%. In summary, the available evidence is currently insufficient to determine the role of this variant in disease. Therefore, it has been classified as a Variant of Uncertain Significance.

NM_153006.3(NAGS):c.581C>A (p.Ala194Glu)

Gene: NAGS (N-acetylglutamate synthase; plus strand). Cytogenetic location: 17q21.31.
Variant type: single nucleotide variant.
Coding change: c.581C>A on transcript NM_153006.3 (MANE Select); coding-DNA position 581, C replaced by A.
Protein change: p.Ala194Glu; replaces alanine 194 with glutamic acid.
Molecular consequence: missense variant.
Genome position (GRCh38, 1-based): chr17:44,005,791, C>A. VCF-style: chr17-44005791-C-A. GRCh37 (hg19) VCF-style: chr17-42083159-C-A.
Other names: c.581C>A (NM_153006.2); short protein forms A194E.
Identifiers: ClinVar variation 2696863 (VCV002696863.4), dbSNP rs758376954, ClinGen allele CA8595172.
Genomic context (GRCh38, chr17:44,005,791, plus strand): 5'-TCCTGGGGCTGCCGGCCCCTACGGCTCCCTCGGGCTGTCTTTCCTTCTGGGAGGCCAAGG[C>A]GCAGCTGGCCAAGAGCTGCAAGGTGCTGGTAGACGCGCTTCGACACAACGCCGCCGCTGC-3'
Protein context (NP_694551.1, residues 184-204): SGCLSFWEAK[Ala194Glu]QLAKSCKVLV